The following is an entry in ClinVar:

ClinVar aggregate classification (germline): Uncertain significance. Review status: criteria provided, multiple submitters, no conflicts (2 of 4 stars). 2 submissions from 2 submitters: Uncertain significance (2). Last evaluated 2025-10-07.

Conditions:
Inborn genetic diseases. Identifiers: MedGen C0950123, MeSH D030342.

Allele frequency attached by ClinVar (database versions not stated): gnomAD 0.00001; gnomAD exomes 0.00001; ExAC 0.00002; TOPMed 0.00002.
gnomAD v4.1: 5 of 1,601,770 alleles (0.00031%); highest among the groups gnomAD compares: Admixed American, 0.0068%; no homozygotes.

Submissions (2):

Ambry Genetics
Classification: Uncertain significance for Inborn genetic diseases. Last evaluated: 2025-10-07. Review status: criteria provided, single submitter. Criteria: Ambry Variant Classification Scheme 2023. Collection method: clinical testing. Allele origin: germline.

Labcorp Genetics (formerly Invitae), Labcorp
Classification: Uncertain significance. Last evaluated: 2023-01-23. Review status: criteria provided, single submitter. Criteria: Invitae Variant Classification Sherloc (09022015). Collection method: clinical testing. Allele origin: germline.
Comment: This variant has not been reported in the literature in individuals affected with ACAN-related conditions. This variant is present in population databases (rs777539705, gnomAD 0.009%). This sequence change replaces serine, which is neutral and polar, with tyrosine, which is neutral and polar, at codon 161 of the ACAN protein (p.Ser161Tyr). Advanced modeling of protein sequence and biophysical properties (such as structural, functional, and spatial information, amino acid conservation, physicochemical variation, residue mobility, and thermodynamic stability) performed at Invitae indicates that this missense variant is not expected to disrupt ACAN protein function. In summary, the available evidence is currently insufficient to determine the role of this variant in disease. Therefore, it has been classified as a Variant of Uncertain Significance.

NM_001369268.1(ACAN):c.482C>A (p.Ser161Tyr)

Gene: ACAN (aggrecan; plus strand). Cytogenetic location: 15q26.1.
Variant type: single nucleotide variant.
Coding change: c.482C>A on transcript NM_001369268.1 (MANE Select); coding-DNA position 482, C replaced by A.
Protein change: p.Ser161Tyr; replaces serine 161 with tyrosine.
Molecular consequence: missense variant.
Genome position (GRCh38, 1-based): chr15:88,840,039, C>A. VCF-style: chr15-88840039-C-A. GRCh37 (hg19) VCF-style: chr15-89383270-C-A.
Other names: c.482C>A, p.Ser161Tyr (NM_001135.4, NM_001411096.1, NM_001411097.1 and 1 more transcripts); c.482C>A (NM_013227.3); short protein forms S161Y.
Identifiers: ClinVar variation 2200192 (VCV002200192.5), dbSNP rs777539705, ClinGen allele CA7719248.
Genomic context (GRCh38, chr15:88,840,039, plus strand): 5'-TCTTCCGCTTGTGGGCGTGTATGTGTCTTGCAGGCATCGTGTTCCATTACAGAGCCATCT[C>A]TACACGCTACACCCTCGACTTTGACAGGGCGCAGCGGGCCTGCCTGCAGAACAGTGCCAT-3'
Protein context (NP_001356197.1, residues 151-171): KGIVFHYRAI[Ser161Tyr]TRYTLDFDRA